The following is an entry in ClinVar:

NM_004204.5(PIGQ):c.481G>T (p.Gly161Cys)

Gene: PIGQ (phosphatidylinositol glycan anchor biosynthesis class Q; plus strand). Cytogenetic location: 16p13.3.
Variant type: single nucleotide variant.
Coding change: c.481G>T on transcript NM_004204.5 (MANE Select); coding-DNA position 481, G replaced by T.
Protein change: p.Gly161Cys; replaces glycine 161 with cysteine.
Molecular consequence: missense variant.
Genome position (GRCh38, 1-based): chr16:574,555, G>T. VCF-style: chr16-574555-G-T. GRCh37 (hg19) VCF-style: chr16-624555-G-T.
Other names: c.481G>T, p.Gly161Cys (NM_148920.4); c.481G>T (NM_148920.1); short protein forms G161C.
Identifiers: ClinVar variation 1358699 (VCV001358699.6), dbSNP rs752008411, ClinGen allele CA7779881.
Genomic context (GRCh38, chr16:574,555, plus strand): 5'-CTACACCTGCCCACCGTCCTGCCCGACCGCCAGGCTGGAGCCACCACTGCCAGCACGGGG[G>T]GCCTGGCTGCCGTCTTCGACACGGTAGCACGCAGTGAGGTGCTCTTCCGCAGTGACCGCT-3'
Protein context (NP_004195.2, residues 151-171): QAGATTASTG[Gly161Cys]LAAVFDTVAR

ClinVar aggregate classification (germline): Uncertain significance. Review status: criteria provided, multiple submitters, no conflicts (2 of 4 stars). 3 submissions from 3 submitters: Uncertain significance (3). Last evaluated 2025-12-16.

Conditions:
Inborn genetic diseases. Identifiers: MedGen C0950123, MeSH D030342.
Epilepsy. Also called: Seizure disorder. Identifiers: MedGen C0014544, MeSH D004827, MONDO:0005027.

Allele frequency attached by ClinVar (database versions not stated): gnomAD 0.00001; gnomAD exomes 0.00001 and 0.00003; TOPMed 0.00003; ExAC 0.00004.
gnomAD v4.1: 20 of 1,604,216 alleles (0.0012%); highest among the groups gnomAD compares: Middle Eastern, 0.017%; no homozygotes.

Submissions (3):

Ambry Genetics
Classification: Uncertain significance for Inborn genetic diseases. Last evaluated: 2025-12-16. Review status: criteria provided, single submitter. Criteria: Ambry Variant Classification Scheme 2023. Collection method: clinical testing. Allele origin: germline.

GeneDx
Classification: Uncertain significance. Last evaluated: 2024-09-10. Review status: criteria provided, single submitter. Criteria: GeneDx Variant Classification Process June 2021. Collection method: clinical testing. Allele origin: germline. Affected: yes.
Comment: In silico analysis supports that this missense variant has a deleterious effect on protein structure/function; Has not been previously published as pathogenic or benign to our knowledge

Labcorp Genetics (formerly Invitae), Labcorp
Classification: Uncertain significance for Epilepsy. Last evaluated: 2021-08-24. Review status: criteria provided, single submitter. Criteria: Invitae Variant Classification Sherloc (09022015). Collection method: clinical testing. Allele origin: germline.
Comment: This sequence change replaces glycine with cysteine at codon 161 of the PIGQ protein (p.Gly161Cys). The glycine residue is weakly conserved and there is a large physicochemical difference between glycine and cysteine. This variant is present in population databases (rs752008411, ExAC 0.007%). This variant has not been reported in the literature in individuals affected with PIGQ-related conditions. Algorithms developed to predict the effect of missense changes on protein structure and function output the following: SIFT: "Tolerated"; PolyPhen-2: "Possibly Damaging"; Align-GVGD: "Class C0". The cysteine amino acid residue is found in multiple mammalian species, which suggests that this missense change does not adversely affect protein function. In summary, the available evidence is currently insufficient to determine the role of this variant in disease. Therefore, it has been classified as a Variant of Uncertain Significance.